The following is an entry in ClinVar:

NM_001182.5(ALDH7A1):c.1415+13C>T

Gene: ALDH7A1 (aldehyde dehydrogenase 7 family member A1; minus strand). Cytogenetic location: 5q23.2.
Variant type: single nucleotide variant.
Coding change: c.1415+13C>T on transcript NM_001182.5 (MANE Select); 13 bases into the intron after coding-DNA position 1415, C replaced by T.
Molecular consequence: intron variant.
Genome position (GRCh38, 1-based): chr5:126,550,183, G>A on the plus strand (C>T on the coding strand, the complement: ALDH7A1 is on the minus strand). VCF-style: chr5-126550183-G-A. GRCh37 (hg19) VCF-style: chr5-125885875-G-A.
Other names: c.1223+13C>T (NM_001202404.2); c.1331+13C>T (NM_001201377.2).
Identifiers: ClinVar variation 1593064 (VCV001593064.9), dbSNP rs776975478, ClinGen allele CA3389427.
Genomic context (GRCh38, chr5:126,550,183, plus strand): 5'-ACAGCAGTTTTTTTAAGTCCACTCACCACATAAATCAGACTTATATAAATTTTCAAAATA[G>A]ACAAAGTTGTACCCAAGCCAGCGAAAGATTCTGCCCAGATCTTTGGTAAAGATGCTACTT-3'

ClinVar aggregate classification (germline): Likely benign. Review status: criteria provided, multiple submitters, no conflicts (2 of 4 stars). 2 submissions from 2 submitters: Likely benign (2). Last evaluated 2025-07-25.

Conditions:
Pyridoxine-dependent epilepsy (EPEO4). Also called: Pyridoxine-Dependent Seizures; Pyridoxine-Dependent Epilepsy - ALDH7A1; PYRIDOXINE DEPENDENCY WITH SEIZURES; EPILEPSY, EARLY-ONSET, 4, VITAMIN B6-DEPENDENT. Identifiers: Orphanet 3006, MedGen C1849508, MONDO:0009945, OMIM 266100. Disease mechanism: loss of function.

Allele frequency attached by ClinVar (database versions not stated): gnomAD exomes 0.00001 and 0.00004; ExAC 0.00006; TOPMed 0.00001; gnomAD 0.00002.
gnomAD v4.1: 18 of 1,609,742 alleles (0.0011%); highest among the groups gnomAD compares: African/African-American, 0.0013%; no homozygotes.

Submissions (2):

Labcorp Genetics (formerly Invitae), Labcorp
Classification: Likely benign for Pyridoxine-dependent epilepsy. Last evaluated: 2025-07-25. Review status: criteria provided, single submitter. Criteria: Invitae Variant Classification Sherloc (09022015). Collection method: clinical testing. Allele origin: germline.

Women's Health and Genetics/Laboratory Corporation of America, LabCorp
Classification: Likely benign. Last evaluated: 2023-10-10. Review status: criteria provided, single submitter. Criteria: LabCorp Variant Classification Summary - May 2015. Collection method: clinical testing. Allele origin: germline.
Comment: Variant summary: ALDH7A1 c.1415+13C>T alters a non-conserved nucleotide located at a position not widely known to affect splicing. Consensus agreement among computation tools predict no significant impact on normal splicing. However, these predictions have yet to be confirmed by functional studies. The variant allele was found at a frequency of 4e-05 in 251070 control chromosomes. This frequency is not significantly higher than estimated for a pathogenic variant in ALDH7A1 causing Pyridoxine-Dependent Epilepsy (4e-05 vs 0.0018), allowing no conclusion about variant significance. To our knowledge, no occurrence of c.1415+13C>T in individuals affected with Pyridoxine-Dependent Epilepsy and no experimental evidence demonstrating its impact on protein function have been reported. One submitter has cited clinical-significance assessments for this variant to ClinVar after 2014 and has classified the variant as likely benign. Based on the evidence outlined above, the variant was classified as likely benign.